The following is an entry in ClinVar:

NM_000498.3(CYP11B2):c.1144T>C (p.Leu382=)

Genes: CYP11B2 (cytochrome P450 family 11 subfamily B member 2; minus strand), LOC106799834 (CYP11B2 recombination region; plus strand). Cytogenetic location: 8q24.3.
Variant type: single nucleotide variant.
Coding change: c.1144T>C on transcript NM_000498.3 (MANE Select); coding-DNA position 1144, T replaced by C.
Protein change: p.Leu382=; no amino-acid change (leucine 382 retained).
Molecular consequence: synonymous variant.
Genome position (GRCh38, 1-based): chr8:142,912,863, A>G on the plus strand (T>C on the coding strand, the complement: CYP11B2 is on the minus strand). VCF-style: chr8-142912863-A-G. GRCh37 (hg19) VCF-style: chr8-143994279-A-G.
Other names: p.Leu382=.
Identifiers: ClinVar variation 362194 (VCV000362194.19), dbSNP rs61757295, ClinGen allele CA4905910.

ClinVar aggregate classification (germline): Benign/Likely benign. Review status: criteria provided, multiple submitters, no conflicts (2 of 4 stars). 8 submissions from 6 submitters: Benign (6); Likely benign (1). 1 of the submissions does not count toward it. Last evaluated 2026-02-02.

Conditions:
Glucocorticoid-remediable aldosteronism. Also called: Hyperaldosteronism, familial, type I; FH I; GLUCOCORTICOID-SUPPRESSIBLE HYPERALDOSTERONISM; ACTH-DEPENDENT HYPERALDOSTERONISM SYNDROME; ALDOSTERONISM, SENSITIVE TO DEXAMETHASONE. Identifiers: Orphanet 403, MedGen C3838731, MONDO:0007080, OMIM 103900.
Corticosterone 18-monooxygenase deficiency. Also called: ALDOSTERONE DEFICIENCY DUE TO DEFECT IN STEROID 18-HYDROXYLASE; ALDOSTERONE DEFICIENCY I; CMO I DEFICIENCY; STEROID 18-HYDROXYLASE DEFICIENCY; 18 Hydroxylase deficiency; Aldosterone deficiency due to defect in 18 hydroxylase. Identifiers: Orphanet 427, MedGen C0268293, MONDO:0008751, OMIM 203400. Disease mechanism: loss of function.
Corticosterone methyloxidase type 2 deficiency. Also called: 18-OXIDASE DEFICIENCY; ALDOSTERONE DEFICIENCY DUE TO DEFICIENCY OF STEROID 18-OXIDASE; ALDOSTERONE DEFICIENCY II; CMO II DEFICIENCY; STEROID 18-OXIDASE DEFICIENCY. Identifiers: Orphanet 427, MedGen C3463917, MONDO:0012524, OMIM 610600. Disease mechanism: loss of function.
Corticosterone methyl oxidase type II deficiency.

Allele frequency attached by ClinVar (database versions not stated): ExAC 0.00950; gnomAD 0.01632 and 0.01636; 1000 Genomes Project 30x 0.02873; 1000 Genomes Project 0.03994.
gnomAD v4.1: 13,097 of 1,593,184 alleles (0.82%); highest among the groups gnomAD compares: African/African-American, 3.7%; 159 homozygotes.

Submissions (8):

Labcorp Genetics (formerly Invitae), Labcorp
Classification: Benign. Last evaluated: 2026-02-02. Review status: criteria provided, single submitter. Criteria: Invitae Variant Classification Sherloc (09022015). Collection method: clinical testing. Allele origin: germline.

Blueprint Genetics
Classification: Likely benign. Last evaluated: 2024-11-27. Review status: criteria provided, single submitter. Criteria: ACMG Guidelines, 2015. Collection method: clinical testing. Allele origin: germline.

Mayo Clinic Laboratories, Mayo Clinic
Classification: Benign. Last evaluated: 2023-12-22. Review status: criteria provided, single submitter. Criteria: ACMG Guidelines, 2015. Collection method: clinical testing. Allele origin: germline. Observed: 3 variant alleles.
Comment: BS1, BS2, BP4, BP7

Illumina Laboratory Services, Illumina
Classification: Benign for Corticosterone methyloxidase type 2 deficiency. Last evaluated: 2018-01-13. Review status: criteria provided, single submitter. Criteria: ICSL Variant Classification Criteria 13 December 2019. Collection method: clinical testing. Allele origin: germline.
Comment: This variant was observed in the ICSL laboratory as part of a predisposition screen in an ostensibly healthy population. It had not been previously curated by ICSL or reported in the Human Gene Mutation Database (HGMD: prior to June 1st, 2018), and was therefore a candidate for classification through an automated scoring system. Utilizing variant allele frequency, disease prevalence and penetrance estimates, and inheritance mode, an automated score was calculated to assess if this variant is too frequent to cause the disease. Based on the score and internal cut-off values, a variant classified as benign is not then subjected to further curation. The score for this variant resulted in a classification of benign for this disease.

Illumina Laboratory Services, Illumina
Classification: Benign for Hyperaldosteronism, familial, type I. Last evaluated: 2018-01-13. Review status: criteria provided, single submitter. Criteria: ICSL Variant Classification Criteria 13 December 2019. Collection method: clinical testing. Allele origin: germline.
Comment: the same text as in the submission from Illumina Laboratory Services, Illumina above.

Illumina Laboratory Services, Illumina
Classification: Benign for Corticosterone 18-monooxygenase deficiency. Last evaluated: 2018-01-13. Review status: criteria provided, single submitter. Criteria: ICSL Variant Classification Criteria 13 December 2019. Collection method: clinical testing. Allele origin: germline.
Comment: the same text as in the submission from Illumina Laboratory Services, Illumina above.

Breakthrough Genomics
Classification: Benign. Review status: criteria provided, single submitter. Criteria: ACMG Guidelines, 2015. Collection method: not provided. Allele origin: germline. Inheritance: Autosomal recessive inheritance. Affected: yes.

Natera, Inc.
Classification: Benign for Corticosterone methyl oxidase type II deficiency. Last evaluated: 2020-09-16. Review status: no assertion criteria provided. Collection method: clinical testing. Allele origin: germline. Not counted in ClinVar's aggregate classification.